The following is an entry in ClinVar:

NM_001363711.2(DUOX2):c.484G>A (p.Gly162Arg)

Gene: DUOX2 (dual oxidase 2; minus strand). Cytogenetic location: 15q21.1.
Variant type: single nucleotide variant.
Coding change: c.484G>A on transcript NM_001363711.2 (MANE Select); coding-DNA position 484, G replaced by A.
Protein change: p.Gly162Arg; replaces glycine 162 with arginine.
Molecular consequence: missense variant.
Genome position (GRCh38, 1-based): chr15:45,111,797, C>T on the plus strand (G>A on the coding strand, the complement: DUOX2 is on the minus strand). VCF-style: chr15-45111797-C-T. GRCh37 (hg19) VCF-style: chr15-45403995-C-T.
Other names: c.484G>A, p.Gly162Arg (NM_014080.5); c.484G>A (NM_014080.4); short protein forms G162R.
Identifiers: ClinVar variation 2903818 (VCV002903818.4), dbSNP rs1214239149, ClinGen allele CA392279212.
Genomic context (GRCh38, chr15:45,111,797, plus strand): 5'-CGGTCCCTTCCCGCCGCCTTCCCCGCCTCACCAGGTCCCGGGGGTTGCTGGGACTCCGTC[C>T]GGTCTCGGGGTCCCAGCGGCTCCTCTGGAAGGGCAGCACCACGTCCCCGCGCTGGTCGGG-3'
Protein context (NP_001350640.1, residues 152-172): FQRSRWDPET[Gly162Arg]RSPSNPRDLA

ClinVar aggregate classification (germline): Uncertain significance. Review status: criteria provided, multiple submitters, no conflicts (2 of 4 stars). 2 submissions from 2 submitters: Uncertain significance (2). Last evaluated 2025-06-07.

Conditions:
Inborn genetic diseases. Identifiers: MedGen C0950123, MeSH D030342.

gnomAD v4.1: 3 of 1,611,006 alleles (0.00019%); highest among the groups gnomAD compares: Admixed American, 0.0017%; no homozygotes.

Submissions (2):

Ambry Genetics
Classification: Uncertain significance for Inborn genetic diseases. Last evaluated: 2025-06-07. Review status: criteria provided, single submitter. Criteria: Ambry Variant Classification Scheme 2023. Collection method: clinical testing. Allele origin: germline.

Labcorp Genetics (formerly Invitae), Labcorp
Classification: Uncertain significance. Last evaluated: 2025-02-13. Review status: criteria provided, single submitter. Criteria: Invitae Variant Classification Sherloc (09022015). Collection method: clinical testing. Allele origin: germline.
Comment: This sequence change replaces glycine, which is neutral and non-polar, with arginine, which is basic and polar, at codon 162 of the DUOX2 protein (p.Gly162Arg). The frequency data for this variant in the population databases is considered unreliable, as metrics indicate poor data quality at this position in the gnomAD database. This variant has not been reported in the literature in individuals affected with DUOX2-related conditions. ClinVar contains an entry for this variant (Variation ID: 2903818). Invitae Evidence Modeling of protein sequence and biophysical properties (such as structural, functional, and spatial information, amino acid conservation, physicochemical variation, residue mobility, and thermodynamic stability) indicates that this missense variant is expected to disrupt DUOX2 protein function with a positive predictive value of 80%. In summary, the available evidence is currently insufficient to determine the role of this variant in disease. Therefore, it has been classified as a Variant of Uncertain Significance.